The following is an entry in ClinVar:

ClinVar aggregate classification (germline): Uncertain significance (1 of 4 stars; one submission).

Submission:

Labcorp Genetics (formerly Invitae), Labcorp
Classification: Uncertain significance. Last evaluated: 2025-12-19. Review status: criteria provided, single submitter. Criteria: Invitae Variant Classification Sherloc (09022015). Collection method: clinical testing. Allele origin: germline.
Comment: This sequence change replaces proline, which is neutral and non-polar, with arginine, which is basic and polar, at codon 2207 of the NSD1 protein (p.Pro2207Arg). This variant is not present in population databases (gnomAD no frequency). This variant has not been reported in the literature in individuals affected with NSD1-related conditions. ClinVar contains an entry for this variant (Variation ID: 3688076). Invitae Evidence Modeling of protein sequence and biophysical properties (such as structural, functional, and spatial information, amino acid conservation, physicochemical variation, residue mobility, and thermodynamic stability) indicates that this missense variant is expected to disrupt NSD1 protein function with a positive predictive value of 95%. In summary, the available evidence is currently insufficient to determine the role of this variant in disease. Therefore, it has been classified as a Variant of Uncertain Significance.

NM_022455.5(NSD1):c.6620C>G (p.Pro2207Arg)

Gene: NSD1 (nuclear receptor binding SET domain protein 1; plus strand). Cytogenetic location: 5q35.3.
Variant type: single nucleotide variant.
Coding change: c.6620C>G on transcript NM_022455.5 (MANE Select); coding-DNA position 6620, C replaced by G.
Protein change: p.Pro2207Arg; replaces proline 2207 with arginine.
Molecular consequence: missense variant.
Genome position (GRCh38, 1-based): chr5:177,293,988, C>G. VCF-style: chr5-177293988-C-G. GRCh37 (hg19) VCF-style: chr5-176720989-C-G.
Other names: c.5747C>G, p.Pro1916Arg (NM_001365684.2, NM_001409308.1, NM_172349.5); c.6620C>G, p.Pro2207Arg (NM_001409301.1, NM_001409302.1, NM_001409303.1); c.6200C>G, p.Pro2067Arg (NM_001409304.1); c.5867C>G, p.Pro1956Arg (NM_001409305.1); c.5858C>G, p.Pro1953Arg (NM_001409306.1, NM_001409307.1); c.5498C>G, p.Pro1833Arg (NM_001409309.1); short protein forms P1833R, P1956R, P2067R, P1916R, P1953R, P2207R.
Identifiers: ClinVar variation 3688076 (VCV003688076.2).